The following is an entry in ClinVar:

ClinVar aggregate classification (germline): Uncertain significance (1 of 4 stars; one submission).

Conditions:
Neurodevelopmental disorder with microcephaly, short stature, and speech delay (NEDMISS). Identifiers: MedGen C5774211, MONDO:0859285, OMIM 620027.

gnomAD v4.1: 1 of 1,610,484 alleles (0.000062%); highest among the groups gnomAD compares: East Asian, 0.0022%; no homozygotes.

Submission:

3billion
Classification: Uncertain significance for Neurodevelopmental disorder with microcephaly, short stature, and speech delay. Last evaluated: 2024-09-09. Review status: criteria provided, single submitter. Criteria: ACMG Guidelines, 2015. Collection method: clinical testing. Allele origin: germline. Affected: yes.
Comment: The variant is observed at an extremely low frequency in the gnomAD v4.0.0 dataset (total allele frequency: <0.001%). Predicted Consequence/Location: Intron variant In silico tools predict the variant to alter splicing and produce an abnormal transcript [SpliceAI: 0.35 (>=0.2, moderate evidence for spliceogenicity)]. Therefore, this variant is classified as VUS according to the recommendation of ACMG/AMP guideline.

NM_003274.5(TRAPPC10):c.2769+3G>T

Gene: TRAPPC10 (trafficking protein particle complex subunit 10; plus strand). Cytogenetic location: 21q22.3.
Variant type: single nucleotide variant.
Coding change: c.2769+3G>T on transcript NM_003274.5 (MANE Select); 3 bases into the intron after coding-DNA position 2769, G replaced by T.
Molecular consequence: intron variant.
Genome position (GRCh38, 1-based): chr21:44,087,931, G>T. VCF-style: chr21-44087931-G-T. GRCh37 (hg19) VCF-style: chr21-45507812-G-T.
Other names: c.1368+3G>T (NM_001351709.1).
Identifiers: ClinVar variation 4292530 (VCV004292530.1).